The following is an entry in ClinVar:

NM_001042424.3(NSD2):c.48_52del (p.Lys17fs)

Gene: NSD2 (nuclear receptor binding SET domain protein 2; plus strand). Cytogenetic location: 4p16.3.
Variant type: Deletion.
Coding change: c.48_52del on transcript NM_001042424.3 (MANE Select); coding-DNA positions 48 to 52, 5 bases deleted (AAAGT; older notation c.48_52delAAAGT).
Protein change: p.Lys17fs; shifts the reading frame from lysine 17.
Molecular consequence: frameshift variant.
Genome position (GRCh38, 1-based): chr4:1,900,702-1,900,706, AAAGT deleted; deleting any 5 consecutive bases within chr4:1,900,700-1,900,706 gives the same sequence; the c. name uses the placement nearest the transcript's 3' end. VCF-style (leftmost placement, unchanged base first): chr4-1900699-TGTAAA-T. GRCh37 (hg19) VCF-style: chr4-1902426-TGTAAA-T.
Other names: c.48_52del, p.Lys17fs (NM_007331.2, NM_133330.3, NM_133331.3 and 1 more transcripts); c.48_52delAAAGT, p.Lys17Hisfs (NM_133334.3); short protein forms K17fs.
Identifiers: ClinVar variation 3253394 (VCV003253394.1), dbSNP rs752876397.

ClinVar aggregate classification (germline): Uncertain significance (1 of 4 stars; one submission).

Submission:

GeneDx
Classification: Uncertain significance. Last evaluated: 2024-04-13. Review status: criteria provided, single submitter. Criteria: GeneDx Variant Classification Process June 2021. Collection method: clinical testing. Allele origin: germline. Affected: yes.
Comment: Frameshift variant predicted to result in protein truncation or nonsense mediated decay in a gene for which loss-of-function is a known mechanism of disease; Has not been previously published as pathogenic or benign to our knowledge